The following is an entry in ClinVar:

ClinVar aggregate classification (germline): Uncertain significance (1 of 4 stars; one submission).

Conditions:
Neuronal ceroid lipofuscinosis. Also called: Neuronal Ceroid Lipofuscinoses. Identifiers: Orphanet 216, Orphanet 79263, MedGen C0027877, MONDO:0016295. Disease mechanism: loss of function.

Allele frequency attached by ClinVar (database versions not stated): TOPMed 0.00001.
gnomAD v4.1: 2 of 1,613,858 alleles (0.00012%); highest among the groups gnomAD compares: Admixed American, 0.0017%; no homozygotes.

Submission:

Labcorp Genetics (formerly Invitae), Labcorp
Classification: Uncertain significance for Neuronal ceroid lipofuscinosis. Last evaluated: 2022-06-14. Review status: criteria provided, single submitter. Criteria: Invitae Variant Classification Sherloc (09022015). Collection method: clinical testing. Allele origin: germline.
Comment: In summary, the available evidence is currently insufficient to determine the role of this variant in disease. Therefore, it has been classified as a Variant of Uncertain Significance. Algorithms developed to predict the effect of missense changes on protein structure and function (SIFT, PolyPhen-2, Align-GVGD) all suggest that this variant is likely to be tolerated. ClinVar contains an entry for this variant (Variation ID: 861285). This variant has not been reported in the literature in individuals affected with CTSD-related conditions. This variant is not present in population databases (gnomAD no frequency). This sequence change replaces valine, which is neutral and non-polar, with leucine, which is neutral and non-polar, at codon 62 of the CTSD protein (p.Val62Leu).

NM_001909.5(CTSD):c.184G>T (p.Val62Leu)

Genes: PRADX (PRC2 and DDX5 associated lncRNA; plus strand), CTSD (cathepsin D; minus strand). Cytogenetic location: 11p15.5.
Variant type: single nucleotide variant.
Coding change: c.184G>T on transcript NM_001909.5 (MANE Select); coding-DNA position 184, G replaced by T.
Protein change: p.Val62Leu; replaces valine 62 with leucine.
Molecular consequence: missense variant.
Genome position (GRCh38, 1-based): chr11:1,761,353, C>A on the plus strand (G>T on the coding strand, the complement: CTSD is on the minus strand). VCF-style: chr11-1761353-C-A. GRCh37 (hg19) VCF-style: chr11-1782583-C-A.
Other names: short protein forms V62L.
Identifiers: ClinVar variation 861285 (VCV000861285.10), dbSNP rs756892066, ClinGen allele CA379099525.